The following is an entry in ClinVar:

NM_000384.3(APOB):c.5098G>A (p.Asp1700Asn)

Gene: APOB (apolipoprotein B; minus strand). Cytogenetic location: 2p24.1.
Variant type: single nucleotide variant.
Coding change: c.5098G>A on transcript NM_000384.3 (MANE Select); coding-DNA position 5098, G replaced by A.
Protein change: p.Asp1700Asn; replaces aspartic acid 1700 with asparagine.
Molecular consequence: missense variant.
Genome position (GRCh38, 1-based): chr2:21,011,770, C>T on the plus strand (G>A on the coding strand, the complement: APOB is on the minus strand). VCF-style: chr2-21011770-C-T. GRCh37 (hg19) VCF-style: chr2-21234642-C-T.
Other names: short protein forms D1700N.
Identifiers: ClinVar variation 4055777 (VCV004055777.2).

ClinVar aggregate classification (germline): Uncertain significance. Review status: criteria provided, multiple submitters, no conflicts (2 of 4 stars). 2 submissions from 2 submitters: Uncertain significance (2). Last evaluated 2024-12-28.

gnomAD v4.1: 16 of 1,614,008 alleles (0.00099%); highest among the groups gnomAD compares: Non-Finnish European, 0.0014%; no homozygotes.

Submissions (2):

GeneDx
Classification: Uncertain significance. Last evaluated: 2024-12-28. Review status: criteria provided, single submitter. Criteria: GeneDx Variant Classification Process June 2021. Collection method: clinical testing. Allele origin: germline. Affected: yes.
Comment: Not observed at significant frequency in large population cohorts (gnomAD); In silico analysis supports that this missense variant has a deleterious effect on protein structure/function; Has not been previously published as pathogenic or benign to our knowledge; Also known as

Blueprint Genetics
Classification: Uncertain significance. Last evaluated: 2019-07-12. Review status: criteria provided, single submitter. Criteria: ACMG Guidelines, 2015. Collection method: clinical testing. Allele origin: germline.